The following is an entry in ClinVar:

NM_183357.3(ADCY5):c.996C>T (p.Thr332=)

Gene: ADCY5 (adenylate cyclase 5; minus strand). Cytogenetic location: 3q21.1.
Variant type: single nucleotide variant.
Coding change: c.996C>T on transcript NM_183357.3 (MANE Select); coding-DNA position 996, C replaced by T.
Protein change: p.Thr332=; no amino-acid change (threonine 332 retained).
Molecular consequence: synonymous variant.
Genome position (GRCh38, 1-based): chr3:123,447,550, G>A on the plus strand (C>T on the coding strand, the complement: ADCY5 is on the minus strand). VCF-style: chr3-123447550-G-A. GRCh37 (hg19) VCF-style: chr3-123166397-G-A.
Other names: c.996C>T, p.Thr332= (NM_001378259.1).
Identifiers: ClinVar variation 705624 (VCV000705624.32), dbSNP rs146379370, ClinGen allele CA2577593.

ClinVar aggregate classification (germline): Benign/Likely benign. Review status: criteria provided, multiple submitters, no conflicts (2 of 4 stars). 2 submissions from 2 submitters: Benign (1); Likely benign (1). Last evaluated 2024-11-28.

Allele frequency attached by ClinVar (database versions not stated): gnomAD 0.00029; TOPMed 0.00039; 1000 Genomes Project 30x 0.00281; 1000 Genomes Project 0.00300.
gnomAD v4.1: 240 of 1,609,436 alleles (0.015%); highest among the groups gnomAD compares: East Asian, 0.41%; 4 homozygotes.

Submissions (2):

Labcorp Genetics (formerly Invitae), Labcorp
Classification: Benign. Last evaluated: 2024-11-28. Review status: criteria provided, single submitter. Criteria: Invitae Variant Classification Sherloc (09022015). Collection method: clinical testing. Allele origin: germline.

CeGaT Center for Human Genetics Tuebingen
Classification: Likely benign. Last evaluated: 2024-02-01. Review status: criteria provided, single submitter. Criteria: CeGaT Center For Human Genetics Tuebingen Variant Classification Criteria Version 2. Collection method: clinical testing. Allele origin: germline. Affected: yes. Observed: 1 variant allele.
Comment: ADCY5: BP4, BP7, BS2